The following is an entry in ClinVar:

ClinVar aggregate classification (germline): Uncertain significance (1 of 4 stars; one submission).

Conditions:
Inborn genetic diseases. Identifiers: MedGen C0950123, MeSH D030342.

Allele frequency attached by ClinVar (database versions not stated): gnomAD exomes below 0.00001.
gnomAD v4.1: 2 of 1,613,836 alleles (0.00012%); highest among the groups gnomAD compares: South Asian, 0.0011%; no homozygotes.

Submission:

Ambry Genetics
Classification: Uncertain significance for Inborn genetic diseases. Last evaluated: 2017-12-17. Review status: criteria provided, single submitter. Criteria: Ambry Variant Classification Scheme 2023. Collection method: clinical testing. Allele origin: germline.
Comment: The p.V1881A variant (also known as c.5642T>C), located in coding exon 26 of the SCN8A gene, results from a T to C substitution at nucleotide position 5642. The valine at codon 1881 is replaced by alanine, an amino acid with similar properties. This amino acid position is well conserved in available vertebrate species. In addition, the in silico prediction for this alteration is inconclusive. Since supporting evidence is limited at this time, the clinical significance of this alteration remains unclear.

NM_001330260.2(SCN8A):c.5642T>C (p.Val1881Ala)

Gene: SCN8A (sodium voltage-gated channel alpha subunit 8; plus strand). Cytogenetic location: 12q13.13.
Variant type: single nucleotide variant.
Coding change: c.5642T>C on transcript NM_001330260.2 (MANE Select); coding-DNA position 5642, T replaced by C.
Protein change: p.Val1881Ala; replaces valine 1881 with alanine.
Molecular consequence: missense variant.
Genome position (GRCh38, 1-based): chr12:51,807,128, T>C. VCF-style: chr12-51807128-T-C. GRCh37 (hg19) VCF-style: chr12-52200912-T-C.
Other names: c.5519T>C, p.Val1840Ala (NM_001177984.3, NM_001369788.1); c.5642T>C, p.Val1881Ala (NM_014191.4); short protein forms V1840A, V1881A.
Identifiers: ClinVar variation 1748805 (VCV001748805.2), dbSNP rs2540335860, ClinGen allele CA384888282.